The following is an entry in ClinVar:

NM_006059.4(LAMC3):c.3691G>A (p.Glu1231Lys)

Gene: LAMC3 (laminin subunit gamma 3; plus strand). Cytogenetic location: 9q34.12.
Variant type: single nucleotide variant.
Coding change: c.3691G>A on transcript NM_006059.4 (MANE Select); coding-DNA position 3691, G replaced by A.
Protein change: p.Glu1231Lys; replaces glutamic acid 1231 with lysine.
Molecular consequence: missense variant.
Genome position (GRCh38, 1-based): chr9:131,077,248, G>A. VCF-style: chr9-131077248-G-A. GRCh37 (hg19) VCF-style: chr9-133952635-G-A.
Other names: c.3691G>A (NM_006059.3); short protein forms E1231K.
Identifiers: ClinVar variation 1483635 (VCV001483635.6), dbSNP rs781285633, ClinGen allele CA5287898.

ClinVar aggregate classification (germline): Uncertain significance. Review status: criteria provided, multiple submitters, no conflicts (2 of 4 stars). 2 submissions from 2 submitters: Uncertain significance (2). Last evaluated 2024-12-02.

Conditions:
Inborn genetic diseases. Identifiers: MedGen C0950123, MeSH D030342.

Allele frequency attached by ClinVar (database versions not stated): ExAC 0.00002; gnomAD 0.00002; TOPMed 0.00002; gnomAD exomes 0.00004.
gnomAD v4.1: 50 of 1,613,910 alleles (0.0031%); highest among the groups gnomAD compares: Non-Finnish European, 0.0041%; no homozygotes.

Submissions (2):

Labcorp Genetics (formerly Invitae), Labcorp
Classification: Uncertain significance. Last evaluated: 2024-12-02. Review status: criteria provided, single submitter. Criteria: Invitae Variant Classification Sherloc (09022015). Collection method: clinical testing. Allele origin: germline.
Comment: This sequence change replaces glutamic acid, which is acidic and polar, with lysine, which is basic and polar, at codon 1231 of the LAMC3 protein (p.Glu1231Lys). This variant is present in population databases (rs781285633, gnomAD 0.006%). This variant has not been reported in the literature in individuals affected with LAMC3-related conditions. ClinVar contains an entry for this variant (Variation ID: 1483635). An algorithm developed to predict the effect of missense changes on protein structure and function outputs the following: PolyPhen-2: "Benign". The lysine amino acid residue is found in multiple mammalian species, which suggests that this missense change does not adversely affect protein function. In summary, the available evidence is currently insufficient to determine the role of this variant in disease. Therefore, it has been classified as a Variant of Uncertain Significance.

Ambry Genetics
Classification: Uncertain significance for Inborn genetic diseases. Last evaluated: 2021-11-08. Review status: criteria provided, single submitter. Criteria: Ambry Variant Classification Scheme 2023. Collection method: clinical testing. Allele origin: germline.